The following is an entry in ClinVar:

ClinVar aggregate classification (germline): Likely benign (1 of 4 stars; one submission).

Submission:

CeGaT Center for Human Genetics Tuebingen
Classification: Likely benign. Last evaluated: 2025-03-01. Review status: criteria provided, single submitter. Criteria: CeGaT Center For Human Genetics Tuebingen Variant Classification Criteria Version 2. Collection method: clinical testing. Allele origin: germline. Affected: yes. Observed: 1 variant allele.
Comment: APOBR: BP4, BP7

NM_018690.4(APOBR):c.1062C>T (p.Ala354=)

Gene: APOBR (apolipoprotein B receptor; plus strand). Cytogenetic location: 16p12.1.
Variant type: single nucleotide variant.
Coding change: c.1062C>T on transcript NM_018690.4 (MANE Select); coding-DNA position 1062, C replaced by T.
Protein change: p.Ala354=; no amino-acid change (alanine 354 retained).
Molecular consequence: synonymous variant.
Genome position (GRCh38, 1-based): chr16:28,496,103, C>T. VCF-style: chr16-28496103-C-T. GRCh37 (hg19) VCF-style: chr16-28507424-C-T.
Identifiers: ClinVar variation 3777799 (VCV003777799.7).
Genomic context (GRCh38, chr16:28,496,103, plus strand): 5'-GGAGGAGGCCGGGATAGCCTCAGGCGGGGAGGCTGGGACAGCCTCAGGAGGGGAGGAGGC[C>T]GGGACAGCCTCAGGAGGGGAGGAGGCCGGGACAGCCTCAGGAGGGGACGAGGCCTGGACA-3'
Protein context (NP_061160.3, residues 344-364): EAGTASGGEE[Ala354=]GTASGGEEAG